The following is an entry in ClinVar:

NM_000629.3(IFNAR1):c.925G>T (p.Ala309Ser)

Gene: IFNAR1 (interferon alpha and beta receptor subunit 1; plus strand). Cytogenetic location: 21q22.11.
Variant type: single nucleotide variant.
Coding change: c.925G>T on transcript NM_000629.3 (MANE Select); coding-DNA position 925, G replaced by T.
Protein change: p.Ala309Ser; replaces alanine 309 with serine.
Molecular consequence: missense variant.
Genome position (GRCh38, 1-based): chr21:33,349,227, G>T. VCF-style: chr21-33349227-G-T. GRCh37 (hg19) VCF-style: chr21-34721533-G-T.
Other names: c.925G>T, p.Ala309Ser (NM_001384498.1, NM_001384499.1, NM_001384503.1); c.163G>T, p.Ala55Ser (NM_001384500.1); c.910G>T, p.Ala304Ser (NM_001384501.1); c.463G>T, p.Ala155Ser (NM_001384502.1); c.718G>T, p.Ala240Ser (NM_001384504.1); short protein forms A155S, A309S, A240S, A304S, A55S.
Identifiers: ClinVar variation 1464141 (VCV001464141.6), dbSNP rs759047804, ClinGen allele CA410108496.

ClinVar aggregate classification (germline): Uncertain significance (1 of 4 stars; one submission).

Submission:

Labcorp Genetics (formerly Invitae), Labcorp
Classification: Uncertain significance. Last evaluated: 2022-08-09. Review status: criteria provided, single submitter. Criteria: Invitae Variant Classification Sherloc (09022015). Collection method: clinical testing. Allele origin: germline.
Comment: In summary, the available evidence is currently insufficient to determine the role of this variant in disease. Therefore, it has been classified as a Variant of Uncertain Significance. Algorithms developed to predict the effect of missense changes on protein structure and function are either unavailable or do not agree on the potential impact of this missense change (SIFT: "Deleterious"; PolyPhen-2: "Probably Damaging"; Align-GVGD: "Class C0"). ClinVar contains an entry for this variant (Variation ID: 1464141). This variant has not been reported in the literature in individuals affected with IFNAR1-related conditions. This variant is not present in population databases (gnomAD no frequency). This sequence change replaces alanine, which is neutral and non-polar, with serine, which is neutral and polar, at codon 309 of the IFNAR1 protein (p.Ala309Ser).